The following is an entry in ClinVar:

ClinVar aggregate classification (germline): Pathogenic (1 of 4 stars; one submission).

Allele frequency attached by ClinVar (database versions not stated): gnomAD exomes 0.00001.

Submission:

Labcorp Genetics (formerly Invitae), Labcorp
Classification: Pathogenic. Last evaluated: 2023-03-27. Review status: criteria provided, single submitter. Criteria: Invitae Variant Classification Sherloc (09022015). Collection method: clinical testing. Allele origin: germline.
Comment: For these reasons, this variant has been classified as Pathogenic. This variant has not been reported in the literature in individuals affected with TMC1-related conditions. This variant is present in population databases (no rsID available, gnomAD 0.0009%). This sequence change creates a premature translational stop signal (p.Ser223Lysfs*5) in the TMC1 gene. It is expected to result in an absent or disrupted protein product. Loss-of-function variants in TMC1 are known to be pathogenic (PMID: 11850618, 22105175).

Literature cited by the submitters: PubMed 11850618; PubMed 22105175.

NM_138691.3(TMC1):c.667_668insAACG (p.Ser223fs)

Gene: TMC1 (transmembrane channel like 1; plus strand). Cytogenetic location: 9q21.13.
Variant type: Insertion.
Coding change: c.667_668insAACG on transcript NM_138691.3 (MANE Select); coding-DNA positions 667 to 668, AACG inserted.
Protein change: p.Ser223fs; shifts the reading frame from serine 223.
Molecular consequence: frameshift variant.
Genome position: GRCh38 VCF-style: chr9-72754810-A-AAACG. GRCh37 (hg19) VCF-style: chr9-75369726-A-AAACG.
Other names: short protein forms S223fs.
Identifiers: ClinVar variation 2850107 (VCV002850107.1), dbSNP rs1381062033, ClinGen allele CA588440010.